The following is an entry in ClinVar:

ClinVar aggregate classification (germline): Pathogenic (1 of 4 stars; one submission).

Conditions:
PGM1-congenital disorder of glycosylation. Also called: Congenital disorder of glycosylation type 1t; PHOSPHOGLUCOMUTASE 1 DEFICIENCY; PGM1 DEFICIENCY; GLYCOGEN STORAGE DISEASE XIV; GSD XIV; CDG It. Identifiers: Orphanet 319646, MedGen C2752015, MONDO:0013968, OMIM 614921.

Submission:

Labcorp Genetics (formerly Invitae), Labcorp
Classification: Pathogenic for PGM1-congenital disorder of glycosylation. Last evaluated: 2023-08-14. Review status: criteria provided, single submitter. Criteria: Invitae Variant Classification Sherloc (09022015). Collection method: clinical testing. Allele origin: germline.
Comment: This variant is not present in population databases (gnomAD no frequency). This variant has not been reported in the literature in individuals affected with PGM1-related conditions. For these reasons, this variant has been classified as Pathogenic. This sequence change creates a premature translational stop signal (p.Arg333Glnfs*31) in the PGM1 gene. It is expected to result in an absent or disrupted protein product. Loss-of-function variants in PGM1 are known to be pathogenic (PMID: 22492991).

Literature cited by the submitters: PubMed 22492991.

NM_002633.3(PGM1):c.946_997dup (p.Arg333fs)

Gene: PGM1 (phosphoglucomutase 1; plus strand). Cytogenetic location: 1p31.3.
Variant type: Duplication.
Coding change: c.946_997dup on transcript NM_002633.3 (MANE Select); coding-DNA positions 946 to 997, 52 bases duplicated.
Protein change: p.Arg333fs; shifts the reading frame from arginine 333.
Molecular consequence: frameshift variant.
Genome position (GRCh38, 1-based): chr1:63,636,306-63,636,357, 52 bases duplicated. GRCh37 (hg19): chr1:64,101,977-64,102,028.
Other names: c.1000_1051dup, p.Arg351fs (NM_001172818.1); c.355_406dup, p.Arg136fs (NM_001172819.2); short protein forms R136fs, R333fs, R351fs.
Identifiers: ClinVar variation 2792756 (VCV002792756.3), dbSNP rs2523895823, ClinGen allele CA2739272588.